The following is an entry in ClinVar:

ClinVar aggregate classification (germline): Pathogenic (1 of 4 stars; one submission).

Conditions:
Zellweger spectrum disorders (ZS). Also called: Zellweger syndrome; Zellweger Spectrum Disorder (ZSD); Zellweger Spectrum Disorder; Zellweger Spectrum. Identifiers: Orphanet 912, MedGen C0043459, MONDO:0019609.

Submission:

Labcorp Genetics (formerly Invitae), Labcorp
Classification: Pathogenic for Zellweger spectrum disorders. Last evaluated: 2024-03-03. Review status: criteria provided, single submitter. Criteria: Invitae Variant Classification Sherloc (09022015). Collection method: clinical testing. Allele origin: germline.
Comment: This sequence change creates a premature translational stop signal (p.Val386Cysfs*21) in the PEX1 gene. It is expected to result in an absent or disrupted protein product. Loss-of-function variants in PEX1 are known to be pathogenic (PMID: 21031596, 26387595, 31831025). This variant is not present in population databases (gnomAD no frequency). This variant has not been reported in the literature in individuals affected with PEX1-related conditions. For these reasons, this variant has been classified as Pathogenic.

Literature cited by the submitters: PubMed 21031596; PubMed 26387595; PubMed 31831025.

NM_000466.3(PEX1):c.1156_1187del (p.Val386fs)

Gene: PEX1 (peroxisomal biogenesis factor 1; minus strand). Cytogenetic location: 7q21.2.
Variant type: Deletion.
Coding change: c.1156_1187del on transcript NM_000466.3 (MANE Select); coding-DNA positions 1156 to 1187, 32 bases deleted.
Protein change: p.Val386fs; shifts the reading frame from valine 386.
Molecular consequence: frameshift variant.
Genome position (GRCh38, 1-based): chr7:92,517,328-92,517,359, 32 bases deleted; deleting any 32 consecutive bases within chr7:92,517,328-92,517,363 gives the same sequence; the c. name uses the placement nearest the transcript's 3' end. GRCh37 (hg19): chr7:92,146,646-92,146,677.
Other names: c.1156_1187del, p.Val386fs (NM_001282677.2); c.532_563del, p.Val178fs (NM_001282678.2); short protein forms V178fs, V386fs.
Identifiers: ClinVar variation 3644425 (VCV003644425.2).